The following is an entry in ClinVar:

ClinVar aggregate classification (germline): Uncertain significance (1 of 4 stars; one submission).

Allele frequency attached by ClinVar (database versions not stated): gnomAD exomes below 0.00001; ExAC 0.00001; gnomAD 0.00001; 1000 Genomes Project 30x 0.00016; 1000 Genomes Project 0.00020.
gnomAD v4.1: 2 of 1,607,544 alleles (0.00012%); highest among the groups gnomAD compares: East Asian, 0.0022%; no homozygotes.

Submission:

Labcorp Genetics (formerly Invitae), Labcorp
Classification: Uncertain significance. Last evaluated: 2024-01-07. Review status: criteria provided, single submitter. Criteria: Invitae Variant Classification Sherloc (09022015). Collection method: clinical testing. Allele origin: germline.
Comment: This sequence change falls in intron 12 of the ZCCHC8 gene. It does not directly change the encoded amino acid sequence of the ZCCHC8 protein. It affects a nucleotide within the consensus splice site. This variant is present in population databases (rs537383475, gnomAD 0.003%). This variant has not been reported in the literature in individuals affected with ZCCHC8-related conditions. Variants that disrupt the consensus splice site are a relatively common cause of aberrant splicing (PMID: 17576681, 9536098). Algorithms developed to predict the effect of sequence changes on RNA splicing suggest that this variant is not likely to affect RNA splicing. In summary, the available evidence is currently insufficient to determine the role of this variant in disease. Therefore, it has been classified as a Variant of Uncertain Significance.

Literature cited by the submitters: PubMed 17576681; PubMed 9536098.

NM_017612.5(ZCCHC8):c.1228-3T>C

Gene: ZCCHC8 (zinc finger CCHC-type containing 8; minus strand). Cytogenetic location: 12q24.31.
Variant type: single nucleotide variant.
Coding change: c.1228-3T>C on transcript NM_017612.5 (MANE Select); 3 bases into the intron before coding-DNA position 1228, T replaced by C.
Molecular consequence: intron variant.
Genome position (GRCh38, 1-based): chr12:122,477,961, A>G on the plus strand (T>C on the coding strand, the complement: ZCCHC8 is on the minus strand). VCF-style: chr12-122477961-A-G. GRCh37 (hg19) VCF-style: chr12-122962508-A-G.
Other names: c.514-3T>C (NM_001350937.2, NM_001350938.2); c.931-3T>C (NM_001350936.2); c.997-3T>C (NM_001350935.2).
Identifiers: ClinVar variation 2890880 (VCV002890880.3), dbSNP rs537383475, ClinGen allele CA6846234.